The following is an entry in ClinVar:

NM_001686.4(ATP5F1B):c.1344G>T (p.Glu448Asp)

Gene: ATP5F1B (ATP synthase F1 subunit beta; minus strand). Cytogenetic location: 12q13.3.
Variant type: single nucleotide variant.
Coding change: c.1344G>T on transcript NM_001686.4 (MANE Select); coding-DNA position 1344, G replaced by T.
Protein change: p.Glu448Asp; replaces glutamic acid 448 with aspartic acid.
Molecular consequence: missense variant.
Genome position (GRCh38, 1-based): chr12:56,639,251, C>A on the plus strand (G>T on the coding strand, the complement: ATP5F1B is on the minus strand). VCF-style: chr12-56639251-C-A. GRCh37 (hg19) VCF-style: chr12-57033035-C-A.
Other names: short protein forms E448D.
Identifiers: ClinVar variation 3068970 (VCV003068970.2), dbSNP rs888471798, ClinGen allele CA237687513.

ClinVar aggregate classification (germline): Uncertain significance (1 of 4 stars; one submission).

Submission:

Women's Health and Genetics/Laboratory Corporation of America, LabCorp
Classification: Uncertain significance. Last evaluated: 2024-02-13. Review status: criteria provided, single submitter. Criteria: LabCorp Variant Classification Summary - May 2015. Collection method: clinical testing. Allele origin: germline.
Comment: Variant summary: ATP5F1B c.1344G>T (p.Glu448Asp) results in a conservative amino acid change in the encoded protein sequence. Four of five in-silico tools predict a benign effect of the variant on protein function. The frequency data for this variant in gnomAD is considered unreliable, as metrics indicate poor data quality at this position. To our knowledge, no occurrence of c.1344G>T in individuals affected with Hypermetabolism Due To Uncoupled Mitochondrial Oxidative Phosphorylation 2 and no experimental evidence demonstrating its impact on protein function have been reported. No submitters have cited clinical-significance assessments for this variant to ClinVar. Based on the evidence outlined above, the variant was classified as uncertain significance.